The following is an entry in ClinVar:

ClinVar aggregate classification (germline): Uncertain significance (1 of 4 stars; one submission).

Allele frequency attached by ClinVar (database versions not stated): gnomAD exomes below 0.00001 and 0.00002; ExAC 0.00001; gnomAD 0.00001.
gnomAD v4.1: 8 of 1,613,826 alleles (0.0005%); highest among the groups gnomAD compares: South Asian, 0.0077%; 1 homozygote.

Submission:

Labcorp Genetics (formerly Invitae), Labcorp
Classification: Uncertain significance. Last evaluated: 2021-05-16. Review status: criteria provided, single submitter. Criteria: Invitae Variant Classification Sherloc (09022015). Collection method: clinical testing. Allele origin: germline.
Comment: In summary, the available evidence is currently insufficient to determine the role of this variant in disease. Therefore, it has been classified as a Variant of Uncertain Significance. Algorithms developed to predict the effect of missense changes on protein structure and function are either unavailable or do not agree on the potential impact of this missense change (SIFT: "Tolerated"; PolyPhen-2: "Probably Damaging"; Align-GVGD: "Class C0"). This variant has not been reported in the literature in individuals with DNAH9-related conditions. This variant is present in population databases (rs772262539, ExAC 0.007%). This sequence change replaces glutamic acid with glutamine at codon 2521 of the DNAH9 protein (p.Glu2521Gln). The glutamic acid residue is moderately conserved and there is a small physicochemical difference between glutamic acid and glutamine.

NM_001372.4(DNAH9):c.7561G>C (p.Glu2521Gln)

Gene: DNAH9 (dynein axonemal heavy chain 9; plus strand). Cytogenetic location: 17p12.
Variant type: single nucleotide variant.
Coding change: c.7561G>C on transcript NM_001372.4 (MANE Select); coding-DNA position 7561, G replaced by C.
Protein change: p.Glu2521Gln; replaces glutamic acid 2521 with glutamine.
Molecular consequence: missense variant.
Genome position (GRCh38, 1-based): chr17:11,781,017, G>C. VCF-style: chr17-11781017-G-C. GRCh37 (hg19) VCF-style: chr17-11684334-G-C.
Other names: short protein forms E2521Q.
Identifiers: ClinVar variation 1438727 (VCV001438727.8), dbSNP rs772262539, ClinGen allele CA8396657.